The following is an entry in ClinVar:

ClinVar aggregate classification (germline): Likely benign (1 of 4 stars; one submission).

Conditions:
EMG1-related disorder. Also called: EMG1-related condition.

Submission:

PreventionGenetics, part of Exact Sciences
Classification: Likely benign for EMG1-related condition. Last evaluated: 2020-07-03. Review status: criteria provided, single submitter. Criteria: ACMG Guidelines, 2015. Collection method: clinical testing. Allele origin: germline.
Comment: This variant is classified as likely benign based on ACMG/AMP sequence variant interpretation guidelines (Richards et al. 2015 PMID: 25741868, with internal and published modifications).

NM_006331.8(EMG1):c.540C>T (p.Ile180=)

Gene: EMG1 (EMG1 N1-specific pseudouridine methyltransferase; plus strand). Cytogenetic location: 12p13.31.
Variant type: single nucleotide variant.
Coding change: c.540C>T on transcript NM_006331.8 (MANE Select); coding-DNA position 540, C replaced by T.
Protein change: p.Ile180=; no amino-acid change (isoleucine 180 retained).
Molecular consequence: synonymous variant. On other transcripts: non-coding transcript variant (1), intron variant (1).
Genome position (GRCh38, 1-based): chr12:6,975,297, C>T. VCF-style: chr12-6975297-C-T. GRCh37 (hg19) VCF-style: chr12-7084459-C-T.
Other names: c.471+149C>T (NM_001320049.2).
Identifiers: ClinVar variation 3036020 (VCV003036020.1), dbSNP rs2542785102, ClinGen allele CA478156797.
Genomic context (GRCh38, chr12:6,975,297, plus strand): 5'-GAATCCAGTATCAGATCACTTTCCAGTTGGATGTATGAAAGTTGGCACTTCTTTTTCCAT[C>T]CCGGTTGTCAGTGATGTGCGTGAGCTGGTGCCCAGCAGTGATCCTATTGTTTTTGTGGTA-3'
Protein context (NP_006322.4, residues 170-190): GCMKVGTSFS[Ile180=]PVVSDVRELV